The following is an entry in ClinVar:

NM_032638.5(GATA2):c.592G>C (p.Ala198Pro)

Gene: GATA2 (GATA binding protein 2; minus strand). Cytogenetic location: 3q21.3.
Variant type: single nucleotide variant.
Coding change: c.592G>C on transcript NM_032638.5 (MANE Select); coding-DNA position 592, G replaced by C.
Protein change: p.Ala198Pro; replaces alanine 198 with proline.
Molecular consequence: missense variant.
Genome position (GRCh38, 1-based): chr3:128,486,006, C>G on the plus strand (G>C on the coding strand, the complement: GATA2 is on the minus strand). VCF-style: chr3-128486006-C-G. GRCh37 (hg19) VCF-style: chr3-128204849-C-G.
Other names: c.592G>C, p.Ala198Pro (NM_001145661.2, NM_001145662.1); short protein forms A198P.
Identifiers: ClinVar variation 944538 (VCV000944538.9), dbSNP rs1576748685, ClinGen allele CA354406456.

ClinVar aggregate classification (germline): Uncertain significance (1 of 4 stars; one submission).

Conditions:
Deafness-lymphedema-leukemia syndrome. Also called: Emberger syndrome; Lymphedema, primary, with myelodysplasia. Identifiers: Orphanet 3226, MedGen C3279664, MONDO:0013540, OMIM 614038.
Monocytopenia with susceptibility to infections. Also called: IMMUNODEFICIENCY 21; GATA2 DEFICIENCY; MONOCYTOPENIA AND MYCOBACTERIAL INFECTION SYNDROME; MONOCYTOPENIA WITH SUSCEPTIBILITY TO MYCOBACTERIAL, FUNGAL, AND PAPILLOMAVIRUS INFECTIONS AND MYELODYSPLASIA; COMBINED IMMUNODEFICIENCY WITH SUSCEPTIBILITY TO MYCOBACTERIAL, VIRAL, AND FUNGAL INFECTIONS; Dendritic cell, monocyte, B lymphocyte, and natural killer lymphocyte deficiency. Identifiers: Orphanet 228423, MedGen C3280030, MONDO:0013607, OMIM 614172.

Submission:

Labcorp Genetics (formerly Invitae), Labcorp
Classification: Uncertain significance for Monocytopenia with susceptibility to infections; Deafness-lymphedema-leukemia syndrome. Last evaluated: 2019-06-27. Review status: criteria provided, single submitter. Criteria: Invitae Variant Classification Sherloc (09022015). Collection method: clinical testing. Allele origin: germline.
Comment: This sequence change replaces alanine with proline at codon 198 of the GATA2 protein (p.Ala198Pro). The alanine residue is weakly conserved and there is a small physicochemical difference between alanine and proline. This variant is not present in population databases (ExAC no frequency). This variant has not been reported in the literature in individuals with GATA2-related conditions. Algorithms developed to predict the effect of missense changes on protein structure and function are either unavailable or do not agree on the potential impact of this missense change (SIFT: "Tolerated"; PolyPhen-2: "Probably Damaging"; Align-GVGD: "Class C0"). In summary, the available evidence is currently insufficient to determine the role of this variant in disease. Therefore, it has been classified as a Variant of Uncertain Significance.